The following is an entry in ClinVar:

ClinVar aggregate classification (germline): Benign/Likely benign. Review status: criteria provided, multiple submitters, no conflicts (2 of 4 stars). 5 submissions from 5 submitters: Benign (3); Likely benign (2). Last evaluated 2026-01-27.

Conditions:
Combined oxidative phosphorylation defect type 8. Also called: CARDIOMYOPATHY, HYPERTROPHIC MITOCHONDRIAL, FATAL INFANTILE. Identifiers: Orphanet 319504, MedGen C4518839, MONDO:0013570, OMIM 614096.

Allele frequency attached by ClinVar (database versions not stated): gnomAD exomes 0.00251; ExAC 0.00314; gnomAD 0.01003 and 0.01077; 1000 Genomes Project 0.01078; TOPMed 0.01107; ESP Exome Variant Server 0.01130; 1000 Genomes Project 30x 0.01156.
gnomAD v4.1: 2,980 of 1,614,078 alleles (0.18%); highest among the groups gnomAD compares: African/African-American, 3.5%; 33 homozygotes.

Submissions (5):

Labcorp Genetics (formerly Invitae), Labcorp
Classification: Benign. Last evaluated: 2026-01-27. Review status: criteria provided, single submitter. Criteria: Invitae Variant Classification Sherloc (09022015). Collection method: clinical testing. Allele origin: germline.

Illumina Laboratory Services, Illumina
Classification: Benign for Combined oxidative phosphorylation defect type 8. Last evaluated: 2018-01-12. Review status: criteria provided, single submitter. Criteria: ICSL Variant Classification Criteria 13 December 2019. Collection method: clinical testing. Allele origin: germline.
Comment: This variant was observed in the ICSL laboratory as part of a predisposition screen in an ostensibly healthy population. It had not been previously curated by ICSL or reported in the Human Gene Mutation Database (HGMD: prior to June 1st, 2018), and was therefore a candidate for classification through an automated scoring system. Utilizing variant allele frequency, disease prevalence and penetrance estimates, and inheritance mode, an automated score was calculated to assess if this variant is too frequent to cause the disease. Based on the score and internal cut-off values, a variant classified as benign is not then subjected to further curation. The score for this variant resulted in a classification of benign for this disease.

Center for Pediatric Genomic Medicine, Children's Mercy Hospital and Clinics
Classification: Likely benign. Last evaluated: 2017-01-27. Review status: criteria provided, single submitter. Criteria: ACMG Guidelines, 2015. Collection method: clinical testing. Allele origin: germline.
ClinVar note: Converted during submission from Likely Benign to Likely benign.

GeneDx
Classification: Benign. Last evaluated: 2013-05-23. Review status: criteria provided, single submitter. Criteria: GeneDx Variant Classification (06012015). Collection method: clinical testing. Allele origin: germline. Affected: yes.
Comment: This variant is considered likely benign or benign based on one or more of the following criteria: it is a conservative change, it occurs at a poorly conserved position in the protein, it is predicted to be benign by multiple in silico algorithms, and/or has population frequency not consistent with disease.

Breakthrough Genomics
Classification: Likely benign. Review status: criteria provided, single submitter. Criteria: ACMG Guidelines, 2015. Collection method: not provided. Allele origin: germline. Inheritance: Autosomal recessive inheritance. Affected: yes.

NM_020745.4(AARS2):c.1196A>G (p.Asn399Ser)

Gene: AARS2 (alanyl-tRNA synthetase 2, mitochondrial; minus strand). Cytogenetic location: 6p21.1.
Variant type: single nucleotide variant.
Coding change: c.1196A>G on transcript NM_020745.4 (MANE Select); coding-DNA position 1196, A replaced by G.
Protein change: p.Asn399Ser; replaces asparagine 399 with serine.
Molecular consequence: missense variant.
Genome position (GRCh38, 1-based): chr6:44,306,384, T>C on the plus strand (A>G on the coding strand, the complement: AARS2 is on the minus strand). VCF-style: chr6-44306384-T-C. GRCh37 (hg19) VCF-style: chr6-44274121-T-C.
Other names: p.N399S:AAC>AGC; short protein forms N399S.
Identifiers: ClinVar variation 136228 (VCV000136228.17), dbSNP rs113433939, ClinGen allele CA289203.
Genomic context (GRCh38, chr6:44,306,384, plus strand): 5'-ATGATCCGCCTACCCCGCTCCAGGGAGGCCAGGAAGGCTGCCTCGTCCTCTGACACCAGG[T>C]TGGCGATCTGAACCAGGCAGAGAAGAAGTGGAGCTGGGTCTCCTTGGAAGGAGGGTCTCT-3'
Protein context (NP_065796.2, residues 389-409): ELQRNSAQIA[Asn399Ser]LVSEDEAAFL